The following is an entry in ClinVar:

ClinVar aggregate classification (germline): Conflicting classifications of pathogenicity. Review status: criteria provided, conflicting classifications (1 of 4 stars). 3 submissions from 3 submitters: Likely pathogenic (1); Uncertain significance (2). Last evaluated 2025-01-21.

Conditions:
Leukoencephalopathy with brain stem and spinal cord involvement-high lactate syndrome (LBSL). Also called: Leukoencephalopathy with Brainstem and Spinal Cord Involvement and Lactate Elevation; LEUKOENCEPHALOPATHY WITH BRAINSTEM AND SPINAL CORD INVOLVEMENT AND LACTATE ELEVATION, MILD; MITOCHONDRIAL ASPARTYL-tRNA SYNTHETASE DEFICIENCY. Identifiers: Orphanet 137898, MedGen C1970180, MONDO:0012622, OMIM 611105.

Allele frequency attached by ClinVar (database versions not stated): gnomAD exomes 0.00001; ExAC 0.00002; TOPMed 0.00002.

Submissions (3):

Broad Center for Mendelian Genomics, Broad Institute of MIT and Harvard
Classification: Uncertain significance for Leukoencephalopathy with brain stem and spinal cord involvement-high lactate syndrome. Last evaluated: 2025-01-21. Review status: criteria provided, single submitter. Criteria: ACMG Guidelines, 2015. Collection method: curation. Allele origin: germline. Inheritance: Autosomal recessive inheritance.
Comment: The p.Val481Met variant in DARS2 has been reported in 1 individual with leukoencephalopathy with brain stem and spinal cord involvement-high lactate syndrome (PMID: 33977142), and has been identified in 0.001% (14/1180022) of European (non-Finnish) chromosomes by the Genome Aggregation Database (gnomAD; dbSNP rs748312411). Although this variant has been seen in the general population in a heterozygous state, its frequency is low enough to be consistent with a recessive carrier frequency. This variant has also been reported in ClinVar (Variation ID: 2444137) and has been interpreted as likely pathogenic by 3billion. In vitro functional studies provide some evidence that the p.Val481Met variant may slightly impact protein function (PMID: 33977142). However, these types of assays may not accurately represent biological function. Computational prediction tools and conservation analyses suggest that this variant may impact the protein, though this information is not predictive enough to determine pathogenicity. In summary, the clinical significance of the p.Val481Met variant is uncertain. ACMG/AMP Criteria applied: PP3_moderate, PM2_supporting, PS3_supporting (Richards 2015).

Blueprint Genetics
Classification: Uncertain significance. Last evaluated: 2024-05-13. Review status: criteria provided, single submitter. Criteria: ACMG Guidelines, 2015. Collection method: clinical testing. Allele origin: germline.

3billion
Classification: Likely pathogenic for Leukoencephalopathy with brain stem and spinal cord involvement-high lactate syndrome. Last evaluated: 2023-02-23. Review status: criteria provided, single submitter. Criteria: ACMG Guidelines, 2015. Collection method: clinical testing. Allele origin: unknown. Affected: yes.
Comment: The variant is observed at an extremely low frequency in the gnomAD v2.1.1 dataset (total allele frequency: <0.001%). Functional studies provide moderate evidence of the variant having a damaging effect on the gene or gene product (PMID: 33977142). In silico tool predictions suggest damaging effect of the variant on gene or gene product (REVEL: 0.87; 3Cnet: 0.97). Same nucleotide change resulting in same amino acid change has been previously reported to be associated with DARS2-related disorder (PMID: 33977142). Therefore, this variant is classified as Likely pathogenic according to the recommendation of ACMG/AMP guideline.

Literature cited by the submitters: PubMed 33977142 (cited by 3billion).

NM_018122.5(DARS2):c.1441G>A (p.Val481Met)

Gene: DARS2 (aspartyl-tRNA synthetase 2, mitochondrial; plus strand). Cytogenetic location: 1q25.1.
Variant type: single nucleotide variant.
Coding change: c.1441G>A on transcript NM_018122.5 (MANE Select); coding-DNA position 1441, G replaced by A.
Protein change: p.Val481Met; replaces valine 481 with methionine.
Molecular consequence: missense variant.
Genome position (GRCh38, 1-based): chr1:173,853,445, G>A. VCF-style: chr1-173853445-G-A. GRCh37 (hg19) VCF-style: chr1-173822583-G-A.
Other names: NM_018122.5(DARS2):c.1441G>A; p.Val481Met; c.1288G>A, p.Val430Met (NM_001365212.1); short protein forms V430M, V481M.
Identifiers: ClinVar variation 2444137 (VCV002444137.3), dbSNP rs748312411, ClinGen allele CA1250423.